The following is an entry in ClinVar:

ClinVar aggregate classification (germline): Uncertain significance. Review status: criteria provided, multiple submitters, no conflicts (2 of 4 stars). 5 submissions from 5 submitters: Uncertain significance (4). 1 of the submissions does not count toward it. Last evaluated 2023-08-05.

Conditions:
Inborn genetic diseases. Identifiers: MedGen C0950123, MeSH D030342.
Neuronal ceroid lipofuscinosis. Also called: Neuronal Ceroid Lipofuscinoses. Identifiers: Orphanet 216, Orphanet 79263, MedGen C0027877, MONDO:0016295. Disease mechanism: loss of function.
Neuronal ceroid lipofuscinosis 8 (CLN8). Also called: CLN8-Related Neuronal Ceroid-Lipofuscinosis. Identifiers: Orphanet 168491, Orphanet 228354, Orphanet 79264, MedGen C1838570, MONDO:0010830, OMIM 600143.
Neuronal ceroid lipofuscinosis 8 northern epilepsy variant. Also called: EPILEPSY, PROGRESSIVE, WITH MENTAL RETARDATION; NORTHERN EPILEPSY. Identifiers: Orphanet 1947, MedGen C1864923, MONDO:0012391, OMIM 610003.

Allele frequency attached by ClinVar (database versions not stated): TOPMed 0.00002; gnomAD exomes 0.00003.
gnomAD v4.1: 10 of 1,614,246 alleles (0.00062%); highest among the groups gnomAD compares: East Asian, 0.022%; no homozygotes.

Submissions (5):

Ambry Genetics
Classification: Uncertain significance for Inborn genetic diseases. Last evaluated: 2023-08-05. Review status: criteria provided, single submitter. Criteria: Ambry Variant Classification Scheme 2023. Collection method: clinical testing. Allele origin: germline.

GeneDx
Classification: Uncertain significance. Last evaluated: 2023-01-04. Review status: criteria provided, single submitter. Criteria: GeneDx Variant Classification Process June 2021. Collection method: clinical testing. Allele origin: germline. Affected: yes.
Comment: In silico analysis supports that this missense variant does not alter protein structure/function; Has not been previously published as pathogenic or benign to our knowledge

Labcorp Genetics (formerly Invitae), Labcorp
Classification: Uncertain significance for Neuronal ceroid lipofuscinosis. Last evaluated: 2022-06-13. Review status: criteria provided, single submitter. Criteria: Invitae Variant Classification Sherloc (09022015). Collection method: clinical testing. Allele origin: germline.
Comment: This sequence change replaces leucine, which is neutral and non-polar, with valine, which is neutral and non-polar, at codon 233 of the CLN8 protein (p.Leu233Val). This variant is present in population databases (no rsID available, gnomAD 0.04%). This variant has not been reported in the literature in individuals affected with CLN8-related conditions. ClinVar contains an entry for this variant (Variation ID: 527744). Advanced modeling of protein sequence and biophysical properties (such as structural, functional, and spatial information, amino acid conservation, physicochemical variation, residue mobility, and thermodynamic stability) performed at Invitae indicates that this missense variant is not expected to disrupt CLN8 protein function. Algorithms developed to predict the effect of sequence changes on RNA splicing suggest that this variant may create or strengthen a splice site. In summary, the available evidence is currently insufficient to determine the role of this variant in disease. Therefore, it has been classified as a Variant of Uncertain Significance.

Fulgent Genetics
Classification: Uncertain significance for Neuronal ceroid lipofuscinosis 8; Neuronal ceroid lipofuscinosis 8 northern epilepsy variant. Last evaluated: 2021-07-16. Review status: criteria provided, single submitter. Criteria: ACMG Guidelines, 2015. Collection method: clinical testing. Allele origin: unknown.

Natera, Inc.
Classification: Uncertain significance for Neuronal ceroid lipofuscinosis 8. Last evaluated: 2020-09-16. Review status: no assertion criteria provided. Collection method: clinical testing. Allele origin: germline. Not counted in ClinVar's aggregate classification.

NM_018941.4(CLN8):c.697C>G (p.Leu233Val)

Gene: CLN8 (CLN8 transmembrane ER and ERGIC protein; plus strand). Cytogenetic location: 8p23.3.
Variant type: single nucleotide variant.
Coding change: c.697C>G on transcript NM_018941.4 (MANE Select); coding-DNA position 697, C replaced by G.
Protein change: p.Leu233Val; replaces leucine 233 with valine.
Molecular consequence: missense variant.
Genome position (GRCh38, 1-based): chr8:1,780,403, C>G. VCF-style: chr8-1780403-C-G. GRCh37 (hg19) VCF-style: chr8-1728569-C-G.
Other names: short protein forms L233V.
Identifiers: ClinVar variation 527744 (VCV000527744.8), dbSNP rs1380901432, ClinGen allele CA369954139.